The following is an entry in ClinVar:

NM_000431.4(MVK):c.187G>A (p.Asp63Asn)

Gene: MVK (mevalonate kinase; plus strand). Cytogenetic location: 12q24.11.
Variant type: single nucleotide variant.
Coding change: c.187G>A on transcript NM_000431.4 (MANE Select); coding-DNA position 187, G replaced by A.
Protein change: p.Asp63Asn; replaces aspartic acid 63 with asparagine.
Molecular consequence: missense variant.
Genome position (GRCh38, 1-based): chr12:109,576,106, G>A. VCF-style: chr12-109576106-G-A. GRCh37 (hg19) VCF-style: chr12-110013911-G-A.
Other names: c.187G>A, p.Asp63Asn (NM_001114185.3, NM_001301182.2); short protein forms D63N.
Identifiers: ClinVar variation 861832 (VCV000861832.7), dbSNP rs1884939365, ClinGen allele CA386643763.

ClinVar aggregate classification (germline): Uncertain significance (1 of 4 stars; one submission).

Conditions:
Porokeratosis 3, disseminated superficial actinic type (POROK3). Also called: POROKERATOSIS 3, MULTIPLE TYPES; POROKERATOSIS 3, MIBELLI TYPE; POROKERATOSIS, DISSEMINATED SUPERFICIAL ACTINIC, 1. Identifiers: MedGen C1867981, MONDO:0008293, OMIM 175900.
Mevalonic aciduria (MEVA). Identifiers: Orphanet 29, MedGen C1959626, MONDO:0012481, OMIM 610377.
Hyperimmunoglobulin D with periodic fever (HIDS). Also called: HYPERIMMUNOGLOBULINEMIA D AND PERIODIC FEVER SYNDROME; Hyperimmunoglobulinemia D with periodic fever; Hyperimmunoglobulinemia D. Identifiers: Orphanet 343, MedGen C0398691, MONDO:0009849, OMIM 260920.

Allele frequency attached by ClinVar (database versions not stated): TOPMed 0.00001.

Submission:

Labcorp Genetics (formerly Invitae), Labcorp
Classification: Uncertain significance for Mevalonic aciduria; Hyperimmunoglobulin D with periodic fever; Porokeratosis 3, disseminated superficial actinic type. Last evaluated: 2021-09-01. Review status: criteria provided, single submitter. Criteria: Invitae Variant Classification Sherloc (09022015). Collection method: clinical testing. Allele origin: germline.
Comment: This sequence change replaces aspartic acid with asparagine at codon 63 of the MVK protein (p.Asp63Asn). The aspartic acid residue is weakly conserved and there is a small physicochemical difference between aspartic acid and asparagine. This variant is not present in population databases (ExAC no frequency). This variant has not been reported in the literature in individuals affected with MVK-related conditions. Algorithms developed to predict the effect of missense changes on protein structure and function (SIFT, PolyPhen-2, Align-GVGD) all suggest that this variant is likely to be tolerated. In summary, the available evidence is currently insufficient to determine the role of this variant in disease. Therefore, it has been classified as a Variant of Uncertain Significance.